The following is an entry in ClinVar:

NM_003680.4(YARS1):c.610T>A (p.Tyr204Asn)

Gene: YARS1 (tyrosyl-tRNA synthetase 1; minus strand). Cytogenetic location: 1p35.1.
Variant type: single nucleotide variant.
Coding change: c.610T>A on transcript NM_003680.4 (MANE Select); coding-DNA position 610, T replaced by A.
Protein change: p.Tyr204Asn; replaces tyrosine 204 with asparagine.
Molecular consequence: missense variant.
Genome position (GRCh38, 1-based): chr1:32,791,236, A>T on the plus strand (T>A on the coding strand, the complement: YARS1 is on the minus strand). VCF-style: chr1-32791236-A-T. GRCh37 (hg19) VCF-style: chr1-33256837-A-T.
Other names: short protein forms Y204N.
Identifiers: ClinVar variation 4697794 (VCV004697794.1).

ClinVar aggregate classification (germline): Uncertain significance (1 of 4 stars; one submission).

Conditions:
Charcot-Marie-Tooth disease dominant intermediate C (CMTDIC). Also called: CHARCOT-MARIE-TOOTH NEUROPATHY, DOMINANT INTERMEDIATE C. Identifiers: Orphanet 100045, MedGen C1842237, MONDO:0012012, OMIM 608323.

Submission:

Labcorp Genetics (formerly Invitae), Labcorp
Classification: Uncertain significance for Charcot-Marie-Tooth disease dominant intermediate C. Last evaluated: 2025-10-29. Review status: criteria provided, single submitter. Criteria: Invitae Variant Classification Sherloc (09022015). Collection method: clinical testing. Allele origin: germline.
Comment: This sequence change replaces tyrosine, which is neutral and polar, with asparagine, which is neutral and polar, at codon 204 of the YARS protein (p.Tyr204Asn). This variant is not present in population databases (gnomAD no frequency). This variant has not been reported in the literature in individuals affected with YARS-related conditions. Invitae Evidence Modeling of protein sequence and biophysical properties (such as structural, functional, and spatial information, amino acid conservation, physicochemical variation, residue mobility, and thermodynamic stability) indicates that this missense variant is expected to disrupt YARS protein function with a positive predictive value of 80%. In summary, the available evidence is currently insufficient to determine the role of this variant in disease. Therefore, it has been classified as a Variant of Uncertain Significance.